The following is an entry in ClinVar:

ClinVar aggregate classification (germline): Uncertain significance (1 of 4 stars; one submission).

Allele frequency attached by ClinVar (database versions not stated): TOPMed below 0.00001; gnomAD 0.00001.
gnomAD v4.1: 2 of 1,551,622 alleles (0.00013%); highest among the groups gnomAD compares: Non-Finnish European, 0.000087%; no homozygotes.

Submission:

Labcorp Genetics (formerly Invitae), Labcorp
Classification: Uncertain significance. Last evaluated: 2021-10-04. Review status: criteria provided, single submitter. Criteria: Invitae Variant Classification Sherloc (09022015). Collection method: clinical testing. Allele origin: germline.
Comment: This sequence change replaces alanine with valine at codon 192 of the SLC39A14 protein (p.Ala192Val). The alanine residue is highly conserved and there is a small physicochemical difference between alanine and valine. This variant is not present in population databases (ExAC no frequency). This variant has not been reported in the literature in individuals affected with SLC39A14-related conditions. Algorithms developed to predict the effect of missense changes on protein structure and function are either unavailable or do not agree on the potential impact of this missense change (SIFT: "Deleterious"; PolyPhen-2: "Probably Damaging"; Align-GVGD: "Class C0"). In summary, the available evidence is currently insufficient to determine the role of this variant in disease. Therefore, it has been classified as a Variant of Uncertain Significance.

NM_001128431.4(SLC39A14):c.575C>T (p.Ala192Val)

Gene: SLC39A14 (solute carrier family 39 member 14; plus strand). Cytogenetic location: 8p21.3.
Variant type: single nucleotide variant.
Coding change: c.575C>T on transcript NM_001128431.4 (MANE Select); coding-DNA position 575, C replaced by T.
Protein change: p.Ala192Val; replaces alanine 192 with valine.
Molecular consequence: missense variant. On other transcripts: intron variant (1).
Genome position (GRCh38, 1-based): chr8:22,412,154, C>T. VCF-style: chr8-22412154-C-T. GRCh37 (hg19) VCF-style: chr8-22269667-C-T.
Other names: c.575C>T, p.Ala192Val (NM_001135153.3, NM_001135154.3, NM_001351655.2 and 2 more transcripts); c.605C>T, p.Ala202Val (NM_001351657.2, NM_001351658.2, NM_001351659.2); c.627+2039C>T (NM_015359.6); short protein forms A192V, A202V.
Identifiers: ClinVar variation 1468618 (VCV001468618.6), dbSNP rs1338321388, ClinGen allele CA370529133.
Genomic context (GRCh38, chr8:22,412,154, plus strand): 5'-CCAGCGTGGTGCCCTTCATGAAGAAGACCTTTTACAAGAGGCTGCTGCTCTACTTCATAG[C>T]TCTGGCGATTGGAACCCTCTACTCCAACGCCCTCTTCCAGCTCATCCCGGAGGTATGGCA-3'
Protein context (NP_001121903.1, residues 182-202): FYKRLLLYFI[Ala192Val]LAIGTLYSNA